The following is an entry in ClinVar:

ClinVar aggregate classification (germline): Uncertain significance (1 of 4 stars; one submission).

Conditions:
Hepatic methionine adenosyltransferase deficiency. Also called: MAT I/III DEFICIENCY; Methionine adenosyltransferase deficiency; Deficiency of methionine adenosyltransferase; Isolated Persistent Hypermethioninemia. Identifiers: Orphanet 168598, MedGen C0268621, MeSH C564683, MONDO:0009607, OMIM 250850.

Allele frequency attached by ClinVar (database versions not stated): gnomAD exomes below 0.00001; TOPMed 0.00001.

Submission:

Labcorp Genetics (formerly Invitae), Labcorp
Classification: Uncertain significance for Hepatic methionine adenosyltransferase deficiency. Last evaluated: 2025-06-04. Review status: criteria provided, single submitter. Criteria: Invitae Variant Classification Sherloc (09022015). Collection method: clinical testing. Allele origin: germline.
Comment: This sequence change replaces methionine, which is neutral and non-polar, with valine, which is neutral and non-polar, at codon 138 of the MAT1A protein (p.Met138Val). This variant is present in population databases (no rsID available, gnomAD 0.003%). This missense change has been observed in individuals with autosomal dominant hypermethioninemia (PMID: 24445979; internal data). ClinVar contains an entry for this variant (Variation ID: 1047502). Invitae Evidence Modeling of protein sequence and biophysical properties (such as structural, functional, and spatial information, amino acid conservation, physicochemical variation, residue mobility, and thermodynamic stability) indicates that this missense variant is not expected to disrupt MAT1A protein function with a negative predictive value of 80%. In summary, the available evidence is currently insufficient to determine the role of this variant in disease. Therefore, it has been classified as a Variant of Uncertain Significance.

Literature cited by the submitters: PubMed 24445979.

NM_000429.3(MAT1A):c.412A>G (p.Met138Val)

Gene: MAT1A (methionine adenosyltransferase 1A; minus strand). Cytogenetic location: 10q22.3.
Variant type: single nucleotide variant.
Coding change: c.412A>G on transcript NM_000429.3 (MANE Select); coding-DNA position 412, A replaced by G.
Protein change: p.Met138Val; replaces methionine 138 with valine.
Molecular consequence: missense variant.
Genome position (GRCh38, 1-based): chr10:80,280,310, T>C on the plus strand (A>G on the coding strand, the complement: MAT1A is on the minus strand). VCF-style: chr10-80280310-T-C. GRCh37 (hg19) VCF-style: chr10-82040066-T-C.
Other names: short protein forms M138V.
Identifiers: ClinVar variation 1047502 (VCV001047502.12), dbSNP rs1469573925, ClinGen allele CA377362883.
Genomic context (GRCh38, chr10:80,280,310, plus strand): 5'-GAGCAAGGATGATGGTGAGGGGCATGCACTCCTCTGTCTCGTCGGTAGCATAGCCGAACA[T>C]CAAACCCTGTGGCGAGAGAGCAGGCTGAGCGGCGCCCACCCTAGACCAAGAGGACCGCAG-3'
Protein context (NP_000420.1, residues 128-148): EDVGAGDQGL[Met138Val]FGYATDETEE